The following is an entry in ClinVar:

NM_001849.4(COL6A2):c.2977C>T (p.Arg993Cys)

Gene: COL6A2 (collagen type VI alpha 2 chain; plus strand). Cytogenetic location: 21q22.3.
Variant type: single nucleotide variant.
Coding change: c.2977C>T on transcript NM_001849.4 (MANE Select); coding-DNA position 2977, C replaced by T.
Protein change: p.Arg993Cys; replaces arginine 993 with cysteine.
Molecular consequence: missense variant.
Genome position (GRCh38, 1-based): chr21:46,132,469, C>T. VCF-style: chr21-46132469-C-T. GRCh37 (hg19) VCF-style: chr21-47552383-C-T.
Other names: short protein forms R993C.
Identifiers: ClinVar variation 657581 (VCV000657581.15), dbSNP rs532656197, ClinGen allele CA10073121.

ClinVar aggregate classification (germline): Conflicting classifications of pathogenicity. Review status: criteria provided, conflicting classifications (1 of 4 stars). 3 submissions from 3 submitters: Uncertain significance (2); Likely benign (1). Last evaluated 2024-04-15.

Conditions:
Bethlem myopathy 1A. Also called: Bethlem Muscular Dystrophy; Bethlem myopathy 1; MYOPATHY, BENIGN CONGENITAL, WITH CONTRACTURES. Identifiers: Orphanet 610, MedGen CN029274, MONDO:0024530, OMIM 158810.
Ullrich congenital muscular dystrophy 1A. Also called: Intermediate COL6-RD; Ullrich congenital muscular dystrophy 1. Identifiers: Orphanet 75840, MedGen C0410179, MONDO:0009681, OMIM 254090.

Allele frequency attached by ClinVar (database versions not stated): gnomAD 0.00002 and 0.00003; TOPMed 0.00003; 1000 Genomes Project 0.00020; 1000 Genomes Project 30x 0.00031.
gnomAD v4.1: 33 of 1,606,156 alleles (0.0021%); highest among the groups gnomAD compares: African/African-American, 0.008%; no homozygotes.

Submissions (3):

GeneDx
Classification: Uncertain significance. Last evaluated: 2024-04-15. Review status: criteria provided, single submitter. Criteria: GeneDx Variant Classification Process June 2021. Collection method: clinical testing. Allele origin: germline. Affected: yes.
Comment: In silico analysis indicates that this missense variant does not alter protein structure/function; Has not been previously published as pathogenic or benign to our knowledge

Labcorp Genetics (formerly Invitae), Labcorp
Classification: Likely benign for Bethlem myopathy 1A. Last evaluated: 2023-07-31. Review status: criteria provided, single submitter. Criteria: Invitae Variant Classification Sherloc (09022015). Collection method: clinical testing. Allele origin: germline.

Revvity Omics, Revvity
Classification: Uncertain significance. Last evaluated: 2021-01-28. Review status: criteria provided, single submitter. Criteria: ACMG Guidelines, 2015. Collection method: clinical testing. Allele origin: germline.